The following is an entry in ClinVar:

ClinVar aggregate classification (germline): Uncertain significance (1 of 4 stars; one submission).

Allele frequency attached by ClinVar (database versions not stated): gnomAD exomes below 0.00001.
gnomAD v4.1: 1 of 1,211,169 alleles (0.000083%); highest among the groups gnomAD compares: East Asian, 0.003%; no homozygotes.

Submission:

Labcorp Genetics (formerly Invitae), Labcorp
Classification: Uncertain significance. Last evaluated: 2022-03-09. Review status: criteria provided, single submitter. Criteria: Invitae Variant Classification Sherloc (09022015). Collection method: clinical testing. Allele origin: germline.
Comment: This sequence change replaces glutamic acid, which is acidic and polar, with glycine, which is neutral and non-polar, at codon 144 of the CHM protein (p.Glu144Gly). This variant is not present in population databases (gnomAD no frequency). This variant has not been reported in the literature in individuals affected with CHM-related conditions. Algorithms developed to predict the effect of missense changes on protein structure and function are either unavailable or do not agree on the potential impact of this missense change (SIFT: "Deleterious"; PolyPhen-2: "Benign"; Align-GVGD: "Class C0"). In summary, the available evidence is currently insufficient to determine the role of this variant in disease. Therefore, it has been classified as a Variant of Uncertain Significance.

NM_000390.4(CHM):c.431A>G (p.Glu144Gly)

Genes: CHM (CHM Rab escort protein; minus strand), LOC129391306 (MPRA-validated peak7401 silencer; plus strand). Cytogenetic location: Xq21.2.
Variant type: single nucleotide variant.
Coding change: c.431A>G on transcript NM_000390.4 (MANE Select); coding-DNA position 431, A replaced by G.
Protein change: p.Glu144Gly; replaces glutamic acid 144 with glycine.
Molecular consequence: missense variant. On other transcripts: 5 prime UTR variant (4).
Genome position (GRCh38, 1-based): chrX:85,963,936, T>C on the plus strand (A>G on the coding strand, the complement: CHM is on the minus strand). VCF-style: chrX-85963936-T-C. GRCh37 (hg19) VCF-style: chrX-85218941-T-C.
Other names: c.-14A>G (NM_001320959.1, NM_001362517.1, NM_001362518.2 and 1 more transcripts); short protein forms E144G.
Identifiers: ClinVar variation 2071692 (VCV002071692.4), dbSNP rs2520273268, ClinGen allele CA413787204.